The following is an entry in ClinVar:

ClinVar aggregate classification (germline): Uncertain significance (1 of 4 stars; one submission).

Conditions:
Inborn genetic diseases. Identifiers: MedGen C0950123, MeSH D030342.

gnomAD v4.1: 3 of 1,611,362 alleles (0.00019%); highest among the groups gnomAD compares: African/African-American, 0.004%; no homozygotes.

Submission:

Ambry Genetics
Classification: Uncertain significance for Inborn genetic diseases. Last evaluated: 2025-04-08. Review status: criteria provided, single submitter. Criteria: Ambry Variant Classification Scheme 2023. Collection method: clinical testing. Allele origin: germline.
Comment: The p.S271R variant (also known as c.811A>C), located in coding exon 8 of the CEP57 gene, results from an A to C substitution at nucleotide position 811. The serine at codon 271 is replaced by arginine, an amino acid with dissimilar properties. This amino acid position is conserved. In addition, this alteration is predicted to be tolerated by in silico analysis. Based on the available evidence, the clinical significance of this variant remains unclear.

NM_014679.5(CEP57):c.811A>C (p.Ser271Arg)

Gene: CEP57 (centrosomal protein 57; plus strand). Cytogenetic location: 11q21.
Variant type: single nucleotide variant.
Coding change: c.811A>C on transcript NM_014679.5 (MANE Select); coding-DNA position 811, A replaced by C.
Protein change: p.Ser271Arg; replaces serine 271 with arginine.
Molecular consequence: missense variant. On other transcripts: intron variant (1).
Genome position (GRCh38, 1-based): chr11:95,822,502, A>C. VCF-style: chr11-95822502-A-C. GRCh37 (hg19) VCF-style: chr11-95555666-A-C.
Other names: c.784A>C, p.Ser262Arg (NM_001243776.2); c.730A>C, p.Ser244Arg (NM_001363604.2); c.807+524A>C (NM_001243777.2); short protein forms S244R, S271R, S262R.
Identifiers: ClinVar variation 4001003 (VCV004001003.1).